The following is an entry in ClinVar:

NM_020921.4(NIN):c.4241G>C (p.Gly1414Ala)

Gene: NIN (ninein; minus strand). Cytogenetic location: 14q22.1.
Variant type: single nucleotide variant.
Coding change: c.4241G>C on transcript NM_020921.4 (MANE Select); coding-DNA position 4241, G replaced by C.
Protein change: p.Gly1414Ala; replaces glycine 1414 with alanine.
Molecular consequence: missense variant. On other transcripts: intron variant (1).
Genome position (GRCh38, 1-based): chr14:50,756,789, C>G on the plus strand (G>C on the coding strand, the complement: NIN is on the minus strand). VCF-style: chr14-50756789-C-G. GRCh37 (hg19) VCF-style: chr14-51223507-C-G.
Other names: c.4241G>C, p.Gly1414Ala (NM_182944.3, NM_182946.2); c.2400-1922G>C (NM_016350.5); short protein forms G1414A.
Identifiers: ClinVar variation 2996085 (VCV002996085.3), dbSNP rs775121877, ClinGen allele CA389693713.
Genomic context (GRCh38, chr14:50,756,789, plus strand): 5'-TTTTCCTCCAGTATAACTTGATTCTGTACTCTTGGCCTTTCTTGATGTGTCTGAATTGTT[C>G]CATGTAACCAGGCAATTTCATGTGCTTTTACTTTTTCCAAGAGCTGTGTGTTCCCCTCAA-3'
Protein context (NP_065972.4, residues 1404-1424): VKAHEIAWLH[Gly1414Ala]TIQTHQERPR

ClinVar aggregate classification (germline): Uncertain significance (1 of 4 stars; one submission).

gnomAD v4.1: 5 of 1,551,408 alleles (0.00032%); highest among the groups gnomAD compares: South Asian, 0.0048%; no homozygotes.

Submission:

Labcorp Genetics (formerly Invitae), Labcorp
Classification: Uncertain significance. Last evaluated: 2025-03-31. Review status: criteria provided, single submitter. Criteria: Invitae Variant Classification Sherloc (09022015). Collection method: clinical testing. Allele origin: germline.
Comment: This sequence change replaces glycine, which is neutral and non-polar, with alanine, which is neutral and non-polar, at codon 1414 of the NIN protein (p.Gly1414Ala). This variant is present in population databases (no rsID available, gnomAD 0.004%). This variant has not been reported in the literature in individuals affected with NIN-related conditions. ClinVar contains an entry for this variant (Variation ID: 2996085). An algorithm developed to predict the effect of missense changes on protein structure and function (PolyPhen-2) suggests that this variant is likely to be tolerated. In summary, the available evidence is currently insufficient to determine the role of this variant in disease. Therefore, it has been classified as a Variant of Uncertain Significance.